The following is an entry in ClinVar:

ClinVar aggregate classification (germline): Uncertain significance (1 of 4 stars; one submission).

Conditions:
RANBP17-related disorder. Also called: RANBP17-related condition.

Submission:

PreventionGenetics, part of Exact Sciences
Classification: Uncertain significance for RANBP17-related condition. Last evaluated: 2026-04-03. Review status: criteria provided, single submitter. Criteria: ACMG Guidelines, 2015. Collection method: clinical testing. Allele origin: germline.
Comment: The RANBP17 c.2927dupC variant is predicted to result in a frameshift and premature protein termination (p.Asp977Argfs*17). To our knowledge, this variant has not been reported in the literature. This variant is reported in 0.0029% of alleles in individuals of Latino descent in gnomAD. At this time, the clinical significance of this variant is uncertain due to the absence of conclusive functional and genetic evidence.

NM_022897.5(RANBP17):c.2927dup (p.Asp977fs)

Gene: RANBP17 (RAN binding protein 17; plus strand). Cytogenetic location: 5q35.1.
Variant type: Duplication.
Coding change: c.2927dup on transcript NM_022897.5 (MANE Select); coding-DNA position 2927, one base duplicated (C; older notation c.2927dupC).
Protein change: p.Asp977fs; shifts the reading frame from aspartic acid 977.
Molecular consequence: frameshift variant.
Genome position (GRCh38, 1-based): chr5:171,265,831, C duplicated; the last of 3 consecutive C bases (chr5:171,265,829-171,265,831); duplicating any one gives the same sequence. VCF-style (leftmost placement, unchanged base first): chr5-171265828-A-AC. GRCh37 (hg19) VCF-style: chr5-170692832-A-AC.
Other names: short protein forms D977fs.
Identifiers: ClinVar variation 4977894 (VCV004977894.1).